The following is an entry in ClinVar:

NM_001458.5(FLNC):c.4566G>T (p.Gln1522His)

Gene: FLNC (filamin C; plus strand). Cytogenetic location: 7q32.1.
Variant type: single nucleotide variant.
Coding change: c.4566G>T on transcript NM_001458.5 (MANE Select); coding-DNA position 4566, G replaced by T.
Protein change: p.Gln1522His; replaces glutamine 1522 with histidine.
Molecular consequence: missense variant.
Genome position (GRCh38, 1-based): chr7:128,848,054, G>T. VCF-style: chr7-128848054-G-T. GRCh37 (hg19) VCF-style: chr7-128488108-G-T.
Other names: c.4566G>T, p.Gln1522His (NM_001127487.2); short protein forms Q1522H.
Identifiers: ClinVar variation 488164 (VCV000488164.28), dbSNP rs559667295, ClinGen allele CA4475377.

ClinVar aggregate classification (germline): Uncertain significance. Review status: criteria provided, multiple submitters, no conflicts (2 of 4 stars). 9 submissions from 5 submitters: Uncertain significance (9). Last evaluated 2024-11-26.

Conditions:
Hypertrophic cardiomyopathy 26. Also called: Cardiomyopathy, familial hypertrophic, 26. Identifiers: Orphanet 75249, MedGen C4310749, MONDO:0014883, OMIM 617047.
Myofibrillar myopathy 5. Also called: Filaminopathy (type); FILAMINOPATHY, AUTOSOMAL DOMINANT. Identifiers: Orphanet 171445, MedGen C1836050, MONDO:0012289, OMIM 609524.
Distal myopathy with posterior leg and anterior hand involvement. Also called: WILLIAMS DISTAL MYOPATHY. Identifiers: Orphanet 63273, MedGen C3279722, MONDO:0013550, OMIM 614065.
Primary dilated cardiomyopathy (DCM). Also called: Dilated Cardiomyopathy. Identifiers: Orphanet 217604, MedGen C0007193, MeSH D002311, MONDO:0005021, HP:0001644. Inheritance: Various modes of inheritance.
Dilated Cardiomyopathy, Dominant.
Hypertrophic cardiomyopathy. Also called: HYPERTROPHIC MYOCARDIOPATHY. Identifiers: Orphanet 217569, MedGen C0007194, MeSH D002312, MONDO:0005045, HP:0001639.

Allele frequency attached by ClinVar (database versions not stated): ExAC 0.00001; gnomAD 0.00001; gnomAD exomes 0.00001; 1000 Genomes Project 30x 0.00016; 1000 Genomes Project 0.00020.
gnomAD v4.1: 12 of 1,605,568 alleles (0.00075%); highest among the groups gnomAD compares: South Asian, 0.011%; no homozygotes.

Submissions (9):

GeneDx
Classification: Uncertain significance. Last evaluated: 2024-11-26. Review status: criteria provided, single submitter. Criteria: GeneDx Variant Classification Process June 2021. Collection method: clinical testing. Allele origin: germline. Affected: yes.
Comment: Has not been previously published as pathogenic or benign to our knowledge; In silico analysis supports that this missense variant has a deleterious effect on protein structure/function

CeGaT Center for Human Genetics Tuebingen
Classification: Uncertain significance. Last evaluated: 2024-06-01. Review status: criteria provided, single submitter. Criteria: CeGaT Center For Human Genetics Tuebingen Variant Classification Criteria Version 2. Collection method: clinical testing. Allele origin: germline. Affected: yes. Observed: 1 variant allele.
Comment: FLNC: PM2

Labcorp Genetics (formerly Invitae), Labcorp
Classification: Uncertain significance for Distal myopathy with posterior leg and anterior hand involvement; Myofibrillar myopathy 5; Hypertrophic cardiomyopathy 26. Last evaluated: 2023-12-07. Review status: criteria provided, single submitter. Criteria: Invitae Variant Classification Sherloc (09022015). Collection method: clinical testing. Allele origin: germline.
Comment: This sequence change replaces glutamine, which is neutral and polar, with histidine, which is basic and polar, at codon 1522 of the FLNC protein (p.Gln1522His). This variant is not present in population databases (gnomAD no frequency). This variant has not been reported in the literature in individuals affected with FLNC-related conditions. ClinVar contains an entry for this variant (Variation ID: 488164). Advanced modeling of protein sequence and biophysical properties (such as structural, functional, and spatial information, amino acid conservation, physicochemical variation, residue mobility, and thermodynamic stability) has been performed at Invitae for this missense variant, however the output from this modeling did not meet the statistical confidence thresholds required to predict the impact of this variant on FLNC protein function. In summary, the available evidence is currently insufficient to determine the role of this variant in disease. Therefore, it has been classified as a Variant of Uncertain Significance.

Blueprint Genetics
Classification: Uncertain significance. Last evaluated: 2023-11-24. Review status: criteria provided, single submitter. Criteria: ACMG Guidelines, 2015. Collection method: clinical testing. Allele origin: germline.

Phosphorus, Inc.
Classification: Uncertain significance for Primary dilated cardiomyopathy. Last evaluated: 2017-08-01. Review status: criteria provided, single submitter. Criteria: ACMG Guidelines, 2015. Collection method: clinical testing. Allele origin: germline. Observed: 1 variant allele.

Phosphorus, Inc.
Classification: Uncertain significance for Distal myopathy with posterior leg and anterior hand involvement. Last evaluated: 2017-08-01. Review status: criteria provided, single submitter. Criteria: ACMG Guidelines, 2015. Collection method: clinical testing. Allele origin: germline. Observed: 1 variant allele.

Phosphorus, Inc.
Classification: Uncertain significance for Hypertrophic cardiomyopathy. Last evaluated: 2017-08-01. Review status: criteria provided, single submitter. Criteria: ACMG Guidelines, 2015. Collection method: clinical testing. Allele origin: germline. Observed: 1 variant allele.

Phosphorus, Inc.
Classification: Uncertain significance for Myofibrillar myopathy 5. Last evaluated: 2017-08-01. Review status: criteria provided, single submitter. Criteria: ACMG Guidelines, 2015. Collection method: clinical testing. Allele origin: germline. Observed: 1 variant allele.

Phosphorus, Inc.
Classification: Uncertain significance for Hypertrophic cardiomyopathy 26. Last evaluated: 2017-08-01. Review status: criteria provided, single submitter. Criteria: ACMG Guidelines, 2015. Collection method: clinical testing. Allele origin: germline. Observed: 1 variant allele.